The following is an entry in ClinVar:

NM_205836.3(FBXO38):c.613C>G (p.Pro205Ala)

Gene: FBXO38 (F-box protein 38; plus strand). Cytogenetic location: 5q32.
Variant type: single nucleotide variant.
Coding change: c.613C>G on transcript NM_205836.3 (MANE Select); coding-DNA position 613, C replaced by G.
Protein change: p.Pro205Ala; replaces proline 205 with alanine.
Molecular consequence: missense variant.
Genome position (GRCh38, 1-based): chr5:148,404,705, C>G. VCF-style: chr5-148404705-C-G. GRCh37 (hg19) VCF-style: chr5-147784268-C-G.
Other names: c.613C>G, p.Pro205Ala (NM_001271723.2, NM_030793.5); short protein forms P205A.
Identifiers: ClinVar variation 3615160 (VCV003615160.2).

ClinVar aggregate classification (germline): Uncertain significance (1 of 4 stars; one submission).

Conditions:
Distal hereditary motor neuropathy type 2. Identifiers: Orphanet 139525, MedGen C3711384, MeSH C580044, MONDO:0015352.

gnomAD v4.1: 2 of 1,578,590 alleles (0.00013%); highest among the groups gnomAD compares: Non-Finnish European, 0.000086%; no homozygotes.

Submission:

Labcorp Genetics (formerly Invitae), Labcorp
Classification: Uncertain significance for Distal hereditary motor neuropathy type 2. Last evaluated: 2024-11-18. Review status: criteria provided, single submitter. Criteria: Invitae Variant Classification Sherloc (09022015). Collection method: clinical testing. Allele origin: germline.
Comment: This sequence change replaces proline, which is neutral and non-polar, with alanine, which is neutral and non-polar, at codon 205 of the FBXO38 protein (p.Pro205Ala). This variant is not present in population databases (gnomAD no frequency). This variant has not been reported in the literature in individuals affected with FBXO38-related conditions. Invitae Evidence Modeling of protein sequence and biophysical properties (such as structural, functional, and spatial information, amino acid conservation, physicochemical variation, residue mobility, and thermodynamic stability) has been performed for this missense variant. However, the output from this modeling did not meet the statistical confidence thresholds required to predict the impact of this variant on FBXO38 protein function. In summary, the available evidence is currently insufficient to determine the role of this variant in disease. Therefore, it has been classified as a Variant of Uncertain Significance.